The following is an entry in ClinVar:

ClinVar aggregate classification (germline): Uncertain significance (1 of 4 stars; one submission).

Conditions:
Sulfite oxidase deficiency. Also called: Isolated sulfite oxidase deficiency. Identifiers: Orphanet 833, Orphanet 99731, MedGen C0268624, MONDO:0010089, OMIM 272300, HP:0003643.

Allele frequency attached by ClinVar (database versions not stated): TOPMed below 0.00001.
gnomAD v4.1: 23 of 1,614,172 alleles (0.0014%); highest among the groups gnomAD compares: Non-Finnish European, 0.0019%; no homozygotes.

Submission:

Labcorp Genetics (formerly Invitae), Labcorp
Classification: Uncertain significance for Sulfite oxidase deficiency. Last evaluated: 2021-08-26. Review status: criteria provided, single submitter. Criteria: Invitae Variant Classification Sherloc (09022015). Collection method: clinical testing. Allele origin: germline.
Comment: This sequence change replaces proline with alanine at codon 200 of the SUOX protein (p.Pro200Ala). The proline residue is highly conserved and there is a small physicochemical difference between proline and alanine. This variant is not present in population databases (ExAC no frequency). This variant has not been reported in the literature in individuals affected with SUOX-related conditions. Algorithms developed to predict the effect of missense changes on protein structure and function output the following: SIFT: "Tolerated"; PolyPhen-2: "Benign"; Align-GVGD: "Class C0". The alanine amino acid residue is found in multiple mammalian species, which suggests that this missense change does not adversely affect protein function. In summary, the available evidence is currently insufficient to determine the role of this variant in disease. Therefore, it has been classified as a Variant of Uncertain Significance.

NM_001032386.2(SUOX):c.598C>G (p.Pro200Ala)

Gene: SUOX (sulfite oxidase; plus strand). Cytogenetic location: 12q13.2.
Variant type: single nucleotide variant.
Coding change: c.598C>G on transcript NM_001032386.2 (MANE Select); coding-DNA position 598, C replaced by G.
Protein change: p.Pro200Ala; replaces proline 200 with alanine.
Molecular consequence: missense variant.
Genome position (GRCh38, 1-based): chr12:56,003,987, C>G. VCF-style: chr12-56003987-C-G. GRCh37 (hg19) VCF-style: chr12-56397771-C-G.
Other names: c.598C>G, p.Pro200Ala (NM_000456.3, NM_001032387.2); short protein forms P200A.
Identifiers: ClinVar variation 1418936 (VCV001418936.6), dbSNP rs1890634735, ClinGen allele CA385285141.
Genomic context (GRCh38, chr12:56,003,987, plus strand): 5'-CCTGTACGTCACCCAGCCCTGAAGGTCAACAGCCAGCGGCCCTTTAATGCAGAGCCTCCC[C>G]CTGAGCTGCTGACAGAAAACTACATCACACCCAACCCTATCTTCTTCACCCGGAACCATC-3'
Protein context (NP_001027558.1, residues 190-210): SQRPFNAEPP[Pro200Ala]ELLTENYITP